The following is an entry in ClinVar:

NM_001001957.2(OR2W3):c.179A>G (p.Tyr60Cys)

Gene: OR2W3 (olfactory receptor family 2 subfamily W member 3; plus strand). Cytogenetic location: 1q44.
Variant type: single nucleotide variant.
Coding change: c.179A>G on transcript NM_001001957.2 (MANE Select); coding-DNA position 179, A replaced by G.
Protein change: p.Tyr60Cys; replaces tyrosine 60 with cysteine.
Molecular consequence: missense variant.
Genome position (GRCh38, 1-based): chr1:247,895,765, A>G. VCF-style: chr1-247895765-A-G. GRCh37 (hg19) VCF-style: chr1-248059067-A-G.
Other names: short protein forms Y60C.
Identifiers: ClinVar variation 1911170 (VCV001911170.5), dbSNP rs200696546, ClinGen allele CA40764216.

ClinVar aggregate classification (germline): Uncertain significance (1 of 4 stars; one submission).

Allele frequency attached by ClinVar (database versions not stated): gnomAD exomes below 0.00001; gnomAD 0.00001; TOPMed 0.00001.

Submission:

Labcorp Genetics (formerly Invitae), Labcorp
Classification: Uncertain significance. Last evaluated: 2022-10-07. Review status: criteria provided, single submitter. Criteria: Invitae Variant Classification Sherloc (09022015). Collection method: clinical testing. Allele origin: germline.
Comment: This sequence change replaces tyrosine, which is neutral and polar, with cysteine, which is neutral and slightly polar, at codon 60 of the OR2W3 protein (p.Tyr60Cys). In summary, the available evidence is currently insufficient to determine the role of this variant in disease. Therefore, it has been classified as a Variant of Uncertain Significance. Algorithms developed to predict the effect of missense changes on protein structure and function (SIFT, PolyPhen-2, Align-GVGD) all suggest that this variant is likely to be disruptive. This variant has not been reported in the literature in individuals affected with OR2W3-related conditions. This variant is present in population databases (rs200696546, gnomAD 0.007%).